The following is an entry in ClinVar:

NM_012434.5(SLC17A5):c.500T>C (p.Leu167Pro)

Gene: SLC17A5 (solute carrier family 17 member 5; minus strand). Cytogenetic location: 6q13.
Variant type: single nucleotide variant.
Coding change: c.500T>C on transcript NM_012434.5 (MANE Select); coding-DNA position 500, T replaced by C.
Protein change: p.Leu167Pro; replaces leucine 167 with proline.
Molecular consequence: missense variant.
Genome position (GRCh38, 1-based): chr6:73,641,716, A>G on the plus strand (T>C on the coding strand, the complement: SLC17A5 is on the minus strand). VCF-style: chr6-73641716-A-G. GRCh37 (hg19) VCF-style: chr6-74351439-A-G.
Other names: short protein forms L167P.
Identifiers: ClinVar variation 100735 (VCV000100735.17), dbSNP rs587779410, ClinGen allele CA267594.

ClinVar aggregate classification (germline): Conflicting classifications of pathogenicity. Review status: criteria provided, conflicting classifications (1 of 4 stars). 8 submissions from 8 submitters: Pathogenic (1); Likely pathogenic (1); Uncertain significance (4). 2 of the submissions do not count toward it. Last evaluated 2026-01-18.

Conditions:
Inborn genetic diseases. Identifiers: MedGen C0950123, MeSH D030342.
Sialic acid storage disease, severe infantile type (ISSD). Also called: Infantile Sialic Acid Storage Disease; N-ACETYLNEURAMINIC ACID STORAGE DISEASE; NANA STORAGE DISEASE; SIALURIA, INFANTILE FORM; Free sialic acid storage disease, infantile form; INFANTILE SIALIC ACID STORAGE DISORDER. Identifiers: Orphanet 309324, Orphanet 834, MedGen C1096902, MONDO:0010027, OMIM 269920.
Salla disease (SD). Also called: Sialuria, Finnish type; N-acetylneuraminic acid (NANA) storage disease (NSD); Infantile sialic acid storage disorder (ISSD); Less Severe FSASD (Salla Disease). Identifiers: Orphanet 309334, Orphanet 834, MedGen C1096903, MONDO:0011449, OMIM 604369.

Allele frequency attached by ClinVar (database versions not stated): TOPMed 0.00006; gnomAD 0.00001; gnomAD exomes 0.00001.
gnomAD v4.1: 13 of 1,613,832 alleles (0.00081%); highest among the groups gnomAD compares: Admixed American, 0.0083%; no homozygotes.

Submissions (8):

Labcorp Genetics (formerly Invitae), Labcorp
Classification: Pathogenic for Salla disease. Last evaluated: 2026-01-18. Review status: criteria provided, single submitter. Criteria: Invitae Variant Classification Sherloc (09022015). Collection method: clinical testing. Allele origin: germline.
Comment: This sequence change replaces leucine, which is neutral and non-polar, with proline, which is neutral and non-polar, at codon 167 of the SLC17A5 protein (p.Leu167Pro). This variant is present in population databases (rs587779410, gnomAD 0.006%). This missense change has been observed in individual(s) with sialic acid storage disorders (PMID: 24993898). In at least one individual the data is consistent with being in trans (on the opposite chromosome) from a pathogenic variant. ClinVar contains an entry for this variant (Variation ID: 100735). Invitae Evidence Modeling of protein sequence and biophysical properties (such as structural, functional, and spatial information, amino acid conservation, physicochemical variation, residue mobility, and thermodynamic stability) indicates that this missense variant is expected to disrupt SLC17A5 protein function with a positive predictive value of 95%. For these reasons, this variant has been classified as Pathogenic.

Women's Health and Genetics/Laboratory Corporation of America, LabCorp
Classification: Uncertain significance. Last evaluated: 2025-09-18. Review status: criteria provided, single submitter. Criteria: LabCorp Variant Classification Summary - May 2015. Collection method: clinical testing. Allele origin: germline.
Comment: Variant summary: SLC17A5 c.500T>C (p.Leu167Pro) results in a non-conservative amino acid change located in the Major facilitator superfamily domain (IPR020846) of the encoded protein sequence. Algorithms developed to predict the effect of missense changes on protein structure and function are either unavailable or do not agree on the potential impact of this missense change. The variant allele was found at a frequency of 8e-06 in 251312 control chromosomes (gnomAD). The available data on variant occurrences in the general population are insufficient to allow any conclusion about variant significance. c.500T>C has been observed in at least one compound heterozygous, comprehensively evaluated and biochemically diagnosed, individual affected with Sialic Acid Storage Disorder (example: Couce_2014). These data do not allow any conclusion about variant significance. To our knowledge, no experimental evidence demonstrating an impact on protein function has been reported. The following publications have been ascertained in the context of this evaluation (PMID: 24767253, 24993898). ClinVar contains an entry for this variant (Variation ID: 100735). Based on the evidence outlined above, the variant was classified as uncertain significance.

Fulgent Genetics
Classification: Likely pathogenic for Sialic acid storage disease, severe infantile type; Salla disease. Last evaluated: 2024-05-20. Review status: criteria provided, single submitter. Criteria: ACMG Guidelines, 2015. Collection method: clinical testing. Allele origin: germline.

Genome-Nilou Lab
Classification: Uncertain significance for Salla disease. Last evaluated: 2021-09-05. Review status: criteria provided, single submitter. Criteria: ACMG Guidelines, 2015. Collection method: clinical testing. Allele origin: germline. Affected: no.

New York Genome Center
Classification: Uncertain significance for Salla disease. Last evaluated: 2019-10-07. Review status: criteria provided, single submitter. Criteria: NYGC Assertion Criteria 2020. Collection method: clinical testing. Allele origin: germline. Inheritance: Autosomal recessive inheritance. Observed: 1 heterozygote. Study: CSER-NYCKidSeq.

Ambry Genetics
Classification: Uncertain significance for Inborn genetic diseases. Last evaluated: 2016-11-10. Review status: criteria provided, single submitter. Criteria: Ambry exome assertion method (8-5-2015). Collection method: clinical testing. Allele origin: germline. Affected: yes. Observed: 1 variant allele.

Natera, Inc.
Classification: Uncertain significance for Salla disease. Last evaluated: 2020-09-16. Review status: no assertion criteria provided. Collection method: clinical testing. Allele origin: germline. Not counted in ClinVar's aggregate classification.

Unidad de Diagnostico y Tratamiento de Errores Congenitos del Metabolismo. Hospital Clínico Universitário de Santiago de Compostela
Classification: Pathogenic for Sialic acid storage disease, severe infantile type. Review status: no assertion criteria provided. Collection method: research. Allele origin: inherited. Affected: yes. Not counted in ClinVar's aggregate classification.

Literature cited by the submitters: PubMed 24993898 (cited by 3 submitters); PubMed 24767253 (cited by Women's Health and Genetics/Laboratory Corporation of America, LabCorp).